The following is an entry in ClinVar:

NM_001457.4(FLNB):c.5380G>A (p.Gly1794Arg)

Gene: FLNB (filamin B; plus strand). Cytogenetic location: 3p14.3.
Variant type: single nucleotide variant.
Coding change: c.5380G>A on transcript NM_001457.4 (MANE Select); coding-DNA position 5380, G replaced by A.
Protein change: p.Gly1794Arg; replaces glycine 1794 with arginine.
Molecular consequence: missense variant.
Genome position (GRCh38, 1-based): chr3:58,143,568, G>A. VCF-style: chr3-58143568-G-A. GRCh37 (hg19) VCF-style: chr3-58129295-G-A.
Other names: c.5473G>A, p.Gly1825Arg (NM_001164317.2); c.5347G>A, p.Gly1783Arg (NM_001164318.2); c.5308G>A, p.Gly1770Arg (NM_001164319.2); short protein forms G1770R, G1783R, G1794R, G1825R.
Identifiers: ClinVar variation 1309518 (VCV001309518.9), dbSNP rs149600652, ClinGen allele CA2469041.

ClinVar aggregate classification (germline): Conflicting classifications of pathogenicity. Review status: criteria provided, conflicting classifications (1 of 4 stars). 4 submissions from 4 submitters: Uncertain significance (3); Likely benign (1). Last evaluated 2026-09-01.

Conditions:
Inborn genetic diseases. Identifiers: MedGen C0950123, MeSH D030342.
FLNB-related disorder. Also called: FLNB-related condition; FLNB-related disorders. Identifiers: MedGen CN381095.

Allele frequency attached by ClinVar (database versions not stated): ExAC 0.00004; TOPMed 0.00004; gnomAD 0.00005 and 0.00006; gnomAD exomes 0.00005 and 0.00006; ESP Exome Variant Server 0.00008; 1000 Genomes Project 30x 0.00016; 1000 Genomes Project 0.00020.
gnomAD v4.1: 93 of 1,614,112 alleles (0.0058%); highest among the groups gnomAD compares: Non-Finnish European, 0.0072%; no homozygotes.

Submissions (4):

PreventionGenetics, part of Exact Sciences
Classification: Uncertain significance for FLNB-related condition. Last evaluated: 2026-09-01. Review status: criteria provided, single submitter. Criteria: ACMG Guidelines, 2015. Collection method: clinical testing. Allele origin: germline.
Comment: The FLNB c.5380G>A variant is predicted to result in the amino acid substitution p.Gly1794Arg. To our knowledge, this variant has not been reported in the literature. This variant is reported in 0.011% of alleles in individuals of European (Non-Finnish) descent in gnomAD. At this time, the clinical significance of this variant is uncertain due to the absence of conclusive functional and genetic evidence.

Labcorp Genetics (formerly Invitae), Labcorp
Classification: Likely benign. Last evaluated: 2025-11-18. Review status: criteria provided, single submitter. Criteria: Invitae Variant Classification Sherloc (09022015). Collection method: clinical testing. Allele origin: germline.

Ambry Genetics
Classification: Uncertain significance for Inborn genetic diseases. Last evaluated: 2025-08-07. Review status: criteria provided, single submitter. Criteria: Ambry Variant Classification Scheme 2023. Collection method: clinical testing. Allele origin: germline.

GeneDx
Classification: Uncertain significance. Last evaluated: 2022-12-15. Review status: criteria provided, single submitter. Criteria: GeneDx Variant Classification Process June 2021. Collection method: clinical testing. Allele origin: germline. Affected: yes.
Comment: In silico analysis, which includes protein predictors and evolutionary conservation, supports a deleterious effect; Has not been previously published as pathogenic or benign to our knowledge